The following is an entry in ClinVar:

ClinVar aggregate classification (germline): Pathogenic (1 of 4 stars; one submission).

Conditions:
Duchenne muscular dystrophy (DMD). Also called: MUSCULAR DYSTROPHY, PSEUDOHYPERTROPHIC PROGRESSIVE, DUCHENNE TYPE; Duchenne Muscular Dystrophy (DMD). Identifiers: Orphanet 98896, MedGen C0013264, MONDO:0010679, OMIM 310200.

Submission:

Labcorp Genetics (formerly Invitae), Labcorp
Classification: Pathogenic for Duchenne muscular dystrophy. Last evaluated: 2023-07-24. Review status: criteria provided, single submitter. Criteria: Invitae Variant Classification Sherloc (09022015). Collection method: clinical testing. Allele origin: unknown.
Comment: For these reasons, this variant has been classified as Pathogenic. A similar copy number variant has been observed in individual(s) with Duchenne muscular dystrophy (PMID: 32962870). This variant is a gross deletion of the genomic region encompassing exon(s) 5-11 of the DMD gene. This deletion is out-of-frame, and is expected to create a premature termination codon and result in an absent or disrupted protein product. Loss-of-function variants in DMD are known to be pathogenic (PMID: 16770791, 25007885).

Literature cited by the submitters: PubMed 32962870; PubMed 16770791; PubMed 25007885.

NC_000023.10:g.(?_32662229)_(32841524_?)del

Gene: DMD (dystrophin; minus strand). Cytogenetic location: Xp21.1.
Variant type: Deletion.
Identifiers: ClinVar variation 3248299 (VCV003248299.1).